The following is an entry in ClinVar:

ClinVar aggregate classification (germline): Benign. Review status: criteria provided, multiple submitters, no conflicts (2 of 4 stars). 2 submissions from 2 submitters: Benign (2). Last evaluated 2018-06-16.

Allele frequency attached by ClinVar (database versions not stated): gnomAD exomes 0.00191; gnomAD 0.02049 and 0.02174; TOPMed 0.02241; 1000 Genomes Project 0.02356; 1000 Genomes Project 30x 0.02530.
gnomAD v4.1: 4,981 of 1,092,148 alleles (0.46%); highest among the groups gnomAD compares: African/African-American, 6.9%; 160 homozygotes.

Submissions (2):

GeneDx
Classification: Benign. Last evaluated: 2018-06-16. Review status: criteria provided, single submitter. Criteria: GeneDx Variant Classification (06012015). Collection method: clinical testing. Allele origin: germline. Affected: yes.
Comment: This variant is considered likely benign or benign based on one or more of the following criteria: it is a conservative change, it occurs at a poorly conserved position in the protein, it is predicted to be benign by multiple in silico algorithms, and/or has population frequency not consistent with disease.

Breakthrough Genomics
Classification: Benign. Review status: criteria provided, single submitter. Criteria: ACMG Guidelines, 2015. Collection method: not provided. Allele origin: germline. Inheritance: Autosomal recessive inheritance. Affected: yes.

NM_003331.5(TYK2):c.2047+107A>G

Gene: TYK2 (tyrosine kinase 2; minus strand). Cytogenetic location: 19p13.2.
Variant type: single nucleotide variant.
Coding change: c.2047+107A>G on transcript NM_003331.5 (MANE Select); 107 bases into the intron after coding-DNA position 2047, A replaced by G.
Molecular consequence: intron variant.
Genome position (GRCh38, 1-based): chr19:10,361,404, T>C on the plus strand (A>G on the coding strand, the complement: TYK2 is on the minus strand). VCF-style: chr19-10361404-T-C. GRCh37 (hg19) VCF-style: chr19-10472080-T-C.
Identifiers: ClinVar variation 676395 (VCV000676395.2), dbSNP rs12720278, ClinGen allele CA305203755.
Genomic context (GRCh38, chr19:10,361,404, plus strand): 5'-GGGTCTAGGTTGAAGGTCAAGGTGTAGCCCGGGATCAGAGTACAGGTGAGAGTTGAGAAA[T>C]AGGCATAGGTTGGGGTGTAGGTCGAGGGTTGGGGTACAGATCAGGGAGTGGGTATAAGTC-3'